The following is an entry in ClinVar:

NM_194248.3(OTOF):c.1505C>T (p.Ser502Leu)

Gene: OTOF (otoferlin; minus strand). Cytogenetic location: 2p23.3.
Variant type: single nucleotide variant.
Coding change: c.1505C>T on transcript NM_194248.3 (MANE Select); coding-DNA position 1505, C replaced by T.
Protein change: p.Ser502Leu; replaces serine 502 with leucine.
Molecular consequence: missense variant.
Genome position (GRCh38, 1-based): chr2:26,482,480, G>A on the plus strand (C>T on the coding strand, the complement: OTOF is on the minus strand). VCF-style: chr2-26482480-G-A. GRCh37 (hg19) VCF-style: chr2-26705348-G-A.
Other names: c.1505C>T, p.Ser502Leu (NM_001287489.2); short protein forms S502L.
Identifiers: ClinVar variation 2576779 (VCV002576779.1), dbSNP rs373654311, ClinGen allele CA44401577.
Genomic context (GRCh38, chr2:26,482,480, plus strand): 5'-TTAGAAATCTTGCGCAGGTCAATGAAGTGGGTGCCGATGGCCACGTCGTTGACCTTGTCC[G>A]AGTCTCGGATCTGCACCTTCATGCGTTTGCAGAGTGGGGGGAAGAGGTCTGTAAAGACGA-3'
Protein context (NP_919224.1, residues 492-512): CKRMKVQIRD[Ser502Leu]DKVNDVAIGT

ClinVar aggregate classification (germline): Uncertain significance (1 of 4 stars; one submission).

Allele frequency attached by ClinVar (database versions not stated): gnomAD exomes 0.00001; gnomAD 0.00003; TOPMed 0.00003; ESP Exome Variant Server 0.00008.

Submission:

GeneDx
Classification: Uncertain significance. Last evaluated: 2023-02-15. Review status: criteria provided, single submitter. Criteria: GeneDx Variant Classification Process June 2021. Collection method: clinical testing. Allele origin: germline. Affected: yes.
Comment: Not observed at significant frequency in large population cohorts (gnomAD); In silico analysis supports that this missense variant has a deleterious effect on protein structure/function; Has not been previously published as pathogenic or benign to our knowledge